The following is an entry in ClinVar:

NM_001378454.1(ALMS1):c.11113_11131del (p.Arg3705fs)

Gene: ALMS1 (ALMS1 centrosome and basal body associated protein; plus strand). Cytogenetic location: 2p13.1.
Variant type: Deletion.
Coding change: c.11113_11131del on transcript NM_001378454.1 (MANE Select); coding-DNA positions 11113 to 11131, 19 bases deleted (AGGTCTAATCAAATTAAAA).
Protein change: p.Arg3705fs; shifts the reading frame from arginine 3705.
Molecular consequence: frameshift variant.
Genome position (GRCh38, 1-based): chr2:73,572,990-73,573,008, AGGTCTAATCAAATTAAAA deleted. VCF-style (leftmost placement, unchanged base first): chr2-73572989-GAGGTCTAATCAAATTAAAA-G. GRCh37 (hg19) VCF-style: chr2-73800116-GAGGTCTAATCAAATTAAAA-G.
Other names: c.11116_11134del19 (NM_015120.4); c.11116_11134del, p.Arg3706fs (NM_015120.4); c.11116_11134delAGGTCTAATCAAATTAAAA (NM_015120.4); short protein forms R3706fs, R3705fs.
Identifiers: ClinVar variation 92191 (VCV000092191.17), dbSNP rs398122992, ClinGen allele CA220116.

ClinVar aggregate classification (germline): Pathogenic. Review status: criteria provided, multiple submitters, no conflicts (2 of 4 stars). 6 submissions from 6 submitters: Pathogenic (5). 1 of the submissions does not count toward it. Last evaluated 2025-08-28.

Conditions:
ALMS1-related disorder. Also called: ALMS1-related condition.
Alstrom syndrome (ALMS). Identifiers: Orphanet 64, MedGen C0268425, MONDO:0008763, OMIM 203800.

Allele frequency attached by ClinVar (database versions not stated): ExAC 0.00002; gnomAD exomes 0.00002 and below 0.00001; gnomAD 0.00001; TOPMed 0.00001.

Submissions (6):

Natera, Inc.
Classification: Pathogenic for Alstrom syndrome. Last evaluated: 2025-08-28. Review status: criteria provided, single submitter. Criteria: Natera Variant Classification Schema (03/2026). Collection method: clinical testing. Allele origin: germline.
Comment: The c.11116_11134delAGGTCTAATCAAATTAAAA variant in ALMS1 is a frameshift variant predicted to shift the reading frame beginning at codon 3706 and leads to a stop codon 11 codons downstream. This variant is expected to result in nonsense mediated decay, truncation, or a dysfunctional protein product. This variant is rare in the general population with a frequency below the threshold expected for the associated phenotype(s). This variant has been observed in one or more individuals affected with the associated recessive disease, as either homozygous or compound heterozygous with a second variant (PMID: 31755649). Given the available evidence, this variant is classified as Pathogenic.

Labcorp Genetics (formerly Invitae), Labcorp
Classification: Pathogenic for Alstrom syndrome. Last evaluated: 2024-01-19. Review status: criteria provided, single submitter. Criteria: Invitae Variant Classification Sherloc (09022015). Collection method: clinical testing. Allele origin: germline.
Comment: This sequence change creates a premature translational stop signal (p.Arg3706Leufs*11) in the ALMS1 gene. It is expected to result in an absent or disrupted protein product. Loss-of-function variants in ALMS1 are known to be pathogenic (PMID: 17594715). This variant is present in population databases (rs398122992, gnomAD 0.03%). This premature translational stop signal has been observed in individual(s) with Alstrom syndrome (PMID: 24595103, 26047050). In at least one individual the data is consistent with being in trans (on the opposite chromosome) from a pathogenic variant. It has also been observed to segregate with disease in related individuals. This variant is also known as c.11110_11128del (p.R3704LfsX11). ClinVar contains an entry for this variant (Variation ID: 92191). For these reasons, this variant has been classified as Pathogenic.

Blueprint Genetics
Classification: Pathogenic for ALMS1-related disorders. Last evaluated: 2022-04-12. Review status: criteria provided, single submitter. Criteria: ACMG Guidelines, 2015. Collection method: clinical testing. Allele origin: germline. Affected: yes. Observed: 1 variant allele.

Baylor-Hopkins Center for Mendelian Genomics, Johns Hopkins University School of Medicine
Classification: Pathogenic for Alstrom syndrome. Review status: criteria provided, single submitter. Criteria: Submitter's publication. Collection method: research. Allele origin: germline. Affected: yes. Observed: 1 compound heterozygote.

Juno Genomics, Hangzhou Juno Genomics, Inc
Classification: Pathogenic for Alstrom syndrome. Review status: criteria provided, single submitter. Criteria: ACMG Guidelines, 2015. Collection method: clinical testing. Allele origin: germline.
Comment: Absent from controls (or at extremely low frequency if recessive) in Genome Aggregation Database.;Null variant in a gene where loss of function (LOF) is a known mechanism of disease.;For recessive disorders, detected in trans with a pathogenic variant.;Co-segregation with disease in multiple affected family members.

Johns Hopkins Genetic Resources Core Facility; Johns Hopkins University
No classification provided. Review status: no classification provided. Collection method: not provided. Allele origin: germline. Not counted in ClinVar's aggregate classification.

Literature cited by the submitters: PubMed 31755649 (cited by Natera, Inc.); PubMed 17594715 (cited by Labcorp Genetics (formerly Invitae), Labcorp); PubMed 24595103 (cited by Labcorp Genetics (formerly Invitae), Labcorp); PubMed 26047050 (cited by Labcorp Genetics (formerly Invitae), Labcorp).